The following is an entry in ClinVar:

ClinVar aggregate classification (germline): Uncertain significance (1 of 4 stars; one submission).

Conditions:
Familial hemophagocytic lymphohistiocytosis 5. Also called: STXBP2-Related Familial Hemophagocytic Lymphohistiocytosis (STXBP2-fHLH). Identifiers: Orphanet 540, MedGen C2751293, MONDO:0013135, OMIM 613101.

Allele frequency attached by ClinVar (database versions not stated): gnomAD exomes 0.00001.
gnomAD v4.1: 9 of 1,586,808 alleles (0.00057%); highest among the groups gnomAD compares: Admixed American, 0.0035%; no homozygotes.

Submission:

Labcorp Genetics (formerly Invitae), Labcorp
Classification: Uncertain significance for Familial hemophagocytic lymphohistiocytosis 5. Last evaluated: 2021-08-31. Review status: criteria provided, single submitter. Criteria: Invitae Variant Classification Sherloc (09022015). Collection method: clinical testing. Allele origin: germline.
Comment: This sequence change replaces arginine with histidine at codon 439 of the STXBP2 protein (p.Arg439His). The arginine residue is highly conserved and there is a small physicochemical difference between arginine and histidine. This variant is not present in population databases (ExAC no frequency). This variant has not been reported in the literature in individuals affected with STXBP2-related conditions. Algorithms developed to predict the effect of missense changes on protein structure and function are either unavailable or do not agree on the potential impact of this missense change (SIFT: "Deleterious"; PolyPhen-2: "Benign"; Align-GVGD: "Class C0"). In summary, the available evidence is currently insufficient to determine the role of this variant in disease. Therefore, it has been classified as a Variant of Uncertain Significance.

NM_006949.4(STXBP2):c.1316G>A (p.Arg439His)

Gene: STXBP2 (syntaxin binding protein 2; plus strand). Cytogenetic location: 19p13.2.
Variant type: single nucleotide variant.
Coding change: c.1316G>A on transcript NM_006949.4 (MANE Select); coding-DNA position 1316, G replaced by A.
Protein change: p.Arg439His; replaces arginine 439 with histidine.
Molecular consequence: missense variant. On other transcripts: non-coding transcript variant (1).
Genome position (GRCh38, 1-based): chr19:7,645,266, G>A. VCF-style: chr19-7645266-G-A. GRCh37 (hg19) VCF-style: chr19-7710152-G-A.
Other names: c.1307G>A, p.Arg436His (NM_001127396.3); c.1349G>A, p.Arg450His (NM_001272034.2); short protein forms R436H, R439H, R450H.
Identifiers: ClinVar variation 1007410 (VCV001007410.6), dbSNP rs1415837581, ClinGen allele CA403161429.